The following is an entry in ClinVar:

NM_003105.6(SORL1):c.970G>C (p.Val324Leu)

Gene: SORL1 (sortilin related receptor 1; plus strand). Cytogenetic location: 11q24.1.
Variant type: single nucleotide variant.
Coding change: c.970G>C on transcript NM_003105.6 (MANE Select); coding-DNA position 970, G replaced by C.
Protein change: p.Val324Leu; replaces valine 324 with leucine.
Molecular consequence: missense variant.
Genome position (GRCh38, 1-based): chr11:121,513,033, G>C. VCF-style: chr11-121513033-G-C. GRCh37 (hg19) VCF-style: chr11-121383742-G-C.
Other names: short protein forms V324L.
Identifiers: ClinVar variation 2184725 (VCV002184725.4), dbSNP rs541387363, ClinGen allele CA6328523.

ClinVar aggregate classification (germline): Uncertain significance (1 of 4 stars; one submission).

Allele frequency attached by ClinVar (database versions not stated): TOPMed below 0.00001; ExAC 0.00003; gnomAD exomes 0.00003.
gnomAD v4.1: 44 of 1,614,064 alleles (0.0027%); highest among the groups gnomAD compares: Non-Finnish European, 0.0037%; no homozygotes.

Submission:

Labcorp Genetics (formerly Invitae), Labcorp
Classification: Uncertain significance. Last evaluated: 2022-09-15. Review status: criteria provided, single submitter. Criteria: Invitae Variant Classification Sherloc (09022015). Collection method: clinical testing. Allele origin: germline.
Comment: In summary, the available evidence is currently insufficient to determine the role of this variant in disease. Therefore, it has been classified as a Variant of Uncertain Significance. Algorithms developed to predict the effect of missense changes on protein structure and function are either unavailable or do not agree on the potential impact of this missense change (SIFT: "Deleterious"; PolyPhen-2: "Probably Damaging"; Align-GVGD: "Class C0"). This variant has not been reported in the literature in individuals affected with SORL1-related conditions. This variant is present in population databases (rs541387363, gnomAD 0.004%). This sequence change replaces valine, which is neutral and non-polar, with leucine, which is neutral and non-polar, at codon 324 of the SORL1 protein (p.Val324Leu).